The following is an entry in ClinVar:

ClinVar aggregate classification (germline): Pathogenic (1 of 4 stars; one submission).

Conditions:
Ehlers-Danlos syndrome due to tenascin-X deficiency (EDSCLL1). Also called: EDS DUE TO TNX DEFICIENCY; TNX DEFICIENCY; Ehlers-Danlos syndrome, classic-like, 1; EHLERS-DANLOS SYNDROME, CLASSIC-LIKE; TNXB-Related Classical-Like Ehlers-Danlos Syndrome. Identifiers: Orphanet 230839, MedGen C1848029, MONDO:0011670, OMIM 606408.

Submission:

Myriad Genetics, Inc.
Classification: Pathogenic for Ehlers-Danlos syndrome due to tenascin-X deficiency. Last evaluated: 2025-07-14. Review status: criteria provided, single submitter. Criteria: Myriad Autosomal Dominant, Autosomal Recessive and X-Linked Classification Criteria (2023). Collection method: clinical testing. Allele origin: unknown.
Comment: NM_019105.6(TNXB):c.4941dupG(I1648Dfs*21) is expected to be pathogenic in the context of classical-like Ehlers-Danlos syndrome, TNXB-related. This variant is predicted to lead to an abnormal or absent protein product due to the creation of a premature termination codon in TNXB, a gene where loss-of-function variants are known to be pathogenic. Please note: this variant was assessed in the context of healthy population screening.

NM_001365276.2(TNXB):c.4941dup (p.Ile1648fs)

Gene: TNXB (tenascin XB; minus strand). Cytogenetic location: 6p21.33.
Variant type: Duplication.
Coding change: c.4941dup on transcript NM_001365276.2 (MANE Select); coding-DNA position 4941, one base duplicated (G; older notation c.4941dupG).
Protein change: p.Ile1648fs; shifts the reading frame from isoleucine 1648.
Molecular consequence: frameshift variant.
Genome position (GRCh38, 1-based): chr6:32,072,039, C duplicated on the plus strand (G on the coding strand, the reverse complement: TNXB is on the minus strand); the first of 3 consecutive C bases (chr6:32,072,039-32,072,041); duplicating any one gives the same sequence. VCF-style (leftmost placement, unchanged base first): chr6-32072038-T-TC. GRCh37 (hg19) VCF-style: chr6-32039815-T-TC.
Other names: c.5682dup, p.Ile1895fs (NM_001428335.1); c.4941dup, p.Ile1648fs (NM_019105.8); short protein forms I1648fs, I1895fs.
Identifiers: ClinVar variation 5014722 (VCV005014722.1).
Genomic context (GRCh38, chr6:32,072,038, plus strand): 5'-GGCCCATCTCACCCGTCTTTGCCTCCACAGAGACTGGGCTGCGTCGTTTCCCATCCTGGA[T>TC]CCCAAAGAGCAGGAACTTGTACTTGCGGGAGGGTTCCAGGTCAGGGATAGTGACCTCCCG-3'